The following is an entry in ClinVar:

NM_001037.5(SCN1B):c.244G>A (p.Glu82Lys)

Gene: SCN1B (sodium voltage-gated channel beta subunit 1; plus strand). Cytogenetic location: 19q13.11.
Variant type: single nucleotide variant.
Coding change: c.244G>A on transcript NM_001037.5 (MANE Select); coding-DNA position 244, G replaced by A.
Protein change: p.Glu82Lys; replaces glutamic acid 82 with lysine.
Molecular consequence: missense variant.
Genome position (GRCh38, 1-based): chr19:35,033,535, G>A. VCF-style: chr19-35033535-G-A. GRCh37 (hg19) VCF-style: chr19-35524439-G-A.
Other names: c.145G>A, p.Glu49Lys (NM_001321605.2); c.244G>A, p.Glu82Lys (NM_199037.5); short protein forms E49K, E82K.
Identifiers: ClinVar variation 4614918 (VCV004614918.1).

ClinVar aggregate classification (germline): Uncertain significance (1 of 4 stars; one submission).

Conditions:
Cardiovascular phenotype. Identifiers: MedGen CN230736.

gnomAD v4.1: 3 of 1,614,038 alleles (0.00019%); highest among the groups gnomAD compares: South Asian, 0.0033%; no homozygotes.

Submission:

Ambry Genetics
Classification: Uncertain significance for Cardiovascular phenotype. Last evaluated: 2025-10-14. Review status: criteria provided, single submitter. Criteria: Ambry Variant Classification Scheme 2023. Collection method: clinical testing. Allele origin: germline.
Comment: The p.E82K variant (also known as c.244G>A), located in coding exon 3 of the SCN1B gene, results from a G to A substitution at nucleotide position 244. The glutamic acid at codon 82 is replaced by lysine, an amino acid with similar properties. This amino acid position is conserved. In addition, the in silico prediction for this alteration is inconclusive. Based on the available evidence, the clinical significance of this variant remains unclear.